The following is an entry in ClinVar:

NM_145886.4(PIDD1):c.109C>T (p.Arg37Trp)

Gene: PIDD1 (p53-induced death domain protein 1; minus strand). Cytogenetic location: 11p15.5.
Variant type: single nucleotide variant.
Coding change: c.109C>T on transcript NM_145886.4 (MANE Select); coding-DNA position 109, C replaced by T.
Protein change: p.Arg37Trp; replaces arginine 37 with tryptophan.
Molecular consequence: missense variant.
Genome position (GRCh38, 1-based): chr11:804,280, G>A on the plus strand (C>T on the coding strand, the complement: PIDD1 is on the minus strand). VCF-style: chr11-804280-G-A. GRCh37 (hg19) VCF-style: chr11-804280-G-A.
Other names: c.109C>T, p.Arg37Trp (NM_145887.4); c.109C>T (NM_145886.3); short protein forms R37W.
Identifiers: ClinVar variation 2641096 (VCV002641096.25), dbSNP rs182019347, ClinGen allele CA5790573.

ClinVar aggregate classification (germline): Conflicting classifications of pathogenicity. Review status: criteria provided, conflicting classifications (1 of 4 stars). 2 submissions from 2 submitters: Uncertain significance (1); Likely benign (1). Last evaluated 2024-01-19.

Conditions:
Inborn genetic diseases. Identifiers: MedGen C0950123, MeSH D030342.

gnomAD v4.1: 23 of 1,612,842 alleles (0.0014%); highest among the groups gnomAD compares: Non-Finnish European, 0.0017%; no homozygotes.

Submissions (2):

Ambry Genetics
Classification: Uncertain significance for Inborn genetic diseases. Last evaluated: 2024-01-19. Review status: criteria provided, single submitter. Criteria: Ambry Variant Classification Scheme 2023. Collection method: clinical testing. Allele origin: germline.

CeGaT Center for Human Genetics Tuebingen
Classification: Likely benign. Last evaluated: 2022-07-01. Review status: criteria provided, single submitter. Criteria: CeGaT Center For Human Genetics Tuebingen Variant Classification Criteria Version 2. Collection method: clinical testing. Allele origin: germline. Affected: yes. Observed: 1 variant allele.
Comment: PIDD1: BP4